The following is an entry in ClinVar:

NM_021629.4(GNB4):c.196G>A (p.Asp66Asn)

Gene: GNB4 (G protein subunit beta 4; minus strand). Cytogenetic location: 3q26.33.
Variant type: single nucleotide variant.
Coding change: c.196G>A on transcript NM_021629.4 (MANE Select); coding-DNA position 196, G replaced by A.
Protein change: p.Asp66Asn; replaces aspartic acid 66 with asparagine.
Molecular consequence: missense variant.
Genome position (GRCh38, 1-based): chr3:179,419,406, C>T on the plus strand (G>A on the coding strand, the complement: GNB4 is on the minus strand). VCF-style: chr3-179419406-C-T. GRCh37 (hg19) VCF-style: chr3-179137194-C-T.
Other names: short protein forms D66N.
Identifiers: ClinVar variation 221056 (VCV000221056.8), dbSNP rs864622729, ClinGen allele CA350040.
Genomic context (GRCh38, chr3:179,419,406, plus strand): 5'-ATGAAAATAATTCTGCAACAGTTTAAAAATGACAGGTAATGACAGGTACAAACCTGGAAT[C>T]GTATCCCCAATGCATAGCATAGATTTTAGCTAGGTGGCCCCTCAGTGTACGTCTTGTTCG-3'
Protein context (NP_067642.1, residues 56-76): AKIYAMHWGY[Asp66Asn]SRLLVSASQD

ClinVar aggregate classification (germline): Uncertain significance (1 of 4 stars; one submission).

Conditions:
Charcot-Marie-Tooth disease dominant intermediate F. Identifiers: Orphanet 352670, MedGen C4749463, MONDO:0014074, OMIM 615185.

Allele frequency attached by ClinVar (database versions not stated): gnomAD exomes below 0.00001 and 0.00001; TOPMed 0.00002.
gnomAD v4.1: 17 of 1,589,284 alleles (0.0011%); highest among the groups gnomAD compares: Admixed American, 0.0017%; no homozygotes.

Submission:

Labcorp Genetics (formerly Invitae), Labcorp
Classification: Uncertain significance for Charcot-Marie-Tooth disease dominant intermediate F. Last evaluated: 2020-10-13. Review status: criteria provided, single submitter. Criteria: Invitae Variant Classification Sherloc (09022015). Collection method: clinical testing. Allele origin: germline.
Comment: In summary, the available evidence is currently insufficient to determine the role of this variant in disease. Therefore, it has been classified as a Variant of Uncertain Significance. Algorithms developed to predict the effect of missense changes on protein structure and function do not agree on the potential impact of this missense change (SIFT: "Deleterious"; PolyPhen-2: "Benign"; Align-GVGD: "Class C0"). This variant has not been reported in the literature in individuals with GNB4-related disease. ClinVar contains an entry for this variant (Variation ID: 221056). This variant is not present in population databases (ExAC no frequency). This sequence change replaces aspartic acid with asparagine at codon 66 of the GNB4 protein (p.Asp66Asn). The aspartic acid residue is highly conserved and there is a small physicochemical difference between aspartic acid and asparagine.